The following is an entry in ClinVar:

NM_001386393.1(PANK2):c.962T>C (p.Phe321Ser)

Gene: PANK2 (pantothenate kinase 2; plus strand). Cytogenetic location: 20p13.
Variant type: single nucleotide variant.
Coding change: c.962T>C on transcript NM_001386393.1 (MANE Select); coding-DNA position 962, T replaced by C.
Protein change: p.Phe321Ser; replaces phenylalanine 321 with serine.
Molecular consequence: missense variant. On other transcripts: 5 prime UTR variant (1), non-coding transcript variant (1).
Genome position (GRCh38, 1-based): chr20:3,912,514, T>C. VCF-style: chr20-3912514-T-C. GRCh37 (hg19) VCF-style: chr20-3893161-T-C.
Other names: c.419T>C, p.Phe140Ser (NM_001324191.2, NM_024960.6, NM_153640.4); c.-17T>C (NM_001324193.2); c.1292T>C, p.Phe431Ser (NM_153638.4); short protein forms F140S, F431S, F321S.
Identifiers: ClinVar variation 191359 (VCV000191359.1), dbSNP rs863223343, ClinGen allele CA279308.

ClinVar aggregate classification (germline): Pathogenic (1 of 4 stars; one submission).

Conditions:
Retinitis pigmentosa (RP). Identifiers: Orphanet 791, MedGen C0035334, MeSH D012174, MONDO:0019200, OMIM 268000. Inheritance: Autosomal dominant, autosomal recessive and X linked inheritance.

Submission:

Genetics Research Center, University of Social Welfare and Rehabilitation Sciences
Classification: Pathogenic for Retinitis pigmentosa. Last evaluated: 2015-01-01. Review status: criteria provided, single submitter. Criteria: Submitter's publication. Collection method: research. Allele origin: germline. Affected: yes. Observed: 4 variant alleles. Study: Retinitis Pigmentosa.
Comment: Identification of disease-causing mutations in Iranian patients with autosomal recessive retinitis pigmentosa